The following is an entry in ClinVar:

ClinVar aggregate classification (germline): Uncertain significance. Review status: criteria provided, multiple submitters, no conflicts (2 of 4 stars). 2 submissions from 2 submitters: Uncertain significance (2). Last evaluated 2025-05-29.

Conditions:
Congenital stationary night blindness 1E. Also called: Night blindness, congenital stationary (complete), 1E, autosomal recessive. Identifiers: Orphanet 215, MedGen C3281215, MONDO:0013807, OMIM 614565.

Allele frequency attached by ClinVar (database versions not stated): ExAC 0.00001; gnomAD exomes 0.00001 and 0.00002; gnomAD 0.00002; TOPMed 0.00003; ESP Exome Variant Server 0.00008.
gnomAD v4.1: 39 of 1,613,870 alleles (0.0024%); highest among the groups gnomAD compares: Non-Finnish European, 0.0032%; no homozygotes.

Submissions (2):

Labcorp Genetics (formerly Invitae), Labcorp
Classification: Uncertain significance. Last evaluated: 2025-05-29. Review status: criteria provided, single submitter. Criteria: Invitae Variant Classification Sherloc (09022015). Collection method: clinical testing. Allele origin: germline.
Comment: This sequence change replaces proline, which is neutral and non-polar, with alanine, which is neutral and non-polar, at codon 1394 of the GPR179 protein (p.Pro1394Ala). This variant is present in population databases (rs371158139, gnomAD 0.003%). This variant has not been reported in the literature in individuals affected with GPR179-related conditions. ClinVar contains an entry for this variant (Variation ID: 888734). An algorithm developed to predict the effect of missense changes on protein structure and function (PolyPhen-2) suggests that this variant is likely to be tolerated. In summary, the available evidence is currently insufficient to determine the role of this variant in disease. Therefore, it has been classified as a Variant of Uncertain Significance.

Illumina Laboratory Services, Illumina
Classification: Uncertain significance for Congenital stationary night blindness 1E. Last evaluated: 2018-01-13. Review status: criteria provided, single submitter. Criteria: ICSL Variant Classification Criteria 13 December 2019. Collection method: clinical testing. Allele origin: germline.

NM_001004334.4(GPR179):c.4180C>G (p.Pro1394Ala)

Gene: GPR179 (G protein-coupled receptor 179; minus strand). Cytogenetic location: 17q12.
Variant type: single nucleotide variant.
Coding change: c.4180C>G on transcript NM_001004334.4 (MANE Select); coding-DNA position 4180, C replaced by G.
Protein change: p.Pro1394Ala; replaces proline 1394 with alanine.
Molecular consequence: missense variant.
Genome position (GRCh38, 1-based): chr17:38,329,389, G>C on the plus strand (C>G on the coding strand, the complement: GPR179 is on the minus strand). VCF-style: chr17-38329389-G-C. GRCh37 (hg19) VCF-style: chr17-36485272-G-C.
Other names: short protein forms P1394A.
Identifiers: ClinVar variation 888734 (VCV000888734.7), dbSNP rs371158139, ClinGen allele CA290104358.